The following is an entry in ClinVar:

NM_001128148.3(TFRC):c.1198+6G>A

Gene: TFRC (transferrin receptor; minus strand). Cytogenetic location: 3q29.
Variant type: single nucleotide variant.
Coding change: c.1198+6G>A on transcript NM_001128148.3 (MANE Select); 6 bases into the intron after coding-DNA position 1198, G replaced by A.
Molecular consequence: intron variant.
Genome position (GRCh38, 1-based): chr3:196,065,437, C>T on the plus strand (G>A on the coding strand, the complement: TFRC is on the minus strand). VCF-style: chr3-196065437-C-T. GRCh37 (hg19) VCF-style: chr3-195792308-C-T.
Other names: c.352+6G>A (NM_001313966.2); c.955+6G>A (NM_001313965.2); c.1198+6G>A (NM_003234.4).
Identifiers: ClinVar variation 2982973 (VCV002982973.3), dbSNP rs1399951694, ClinGen allele CA549260789.

ClinVar aggregate classification (germline): Uncertain significance (1 of 4 stars; one submission).

Submission:

Labcorp Genetics (formerly Invitae), Labcorp
Classification: Uncertain significance. Last evaluated: 2024-12-06. Review status: criteria provided, single submitter. Criteria: Invitae Variant Classification Sherloc (09022015). Collection method: clinical testing. Allele origin: germline.
Comment: This sequence change falls in intron 10 of the TFRC gene. It does not directly change the encoded amino acid sequence of the TFRC protein. It affects a nucleotide within the consensus splice site. The frequency data for this variant in the population databases is considered unreliable, as metrics indicate poor data quality at this position in the gnomAD database. This variant has not been reported in the literature in individuals affected with TFRC-related conditions. ClinVar contains an entry for this variant (Variation ID: 2982973). Variants that disrupt the consensus splice site are a relatively common cause of aberrant splicing (PMID: 17576681, 9536098). Algorithms developed to predict the effect of sequence changes on RNA splicing suggest that this variant is not likely to affect RNA splicing. In summary, the available evidence is currently insufficient to determine the role of this variant in disease. Therefore, it has been classified as a Variant of Uncertain Significance.

Literature cited by the submitters: PubMed 17576681; PubMed 9536098.